The following is an entry in ClinVar:

ClinVar aggregate classification (germline): Likely benign. Review status: criteria provided, multiple submitters, no conflicts (2 of 4 stars). 2 submissions from 2 submitters: Likely benign (2). Last evaluated 2023-09-10.

Conditions:
Neurodevelopmental disorder with or without hyperkinetic movements and seizures, autosomal dominant. Also called: Intellectual disability, autosomal dominant 8. Identifiers: MedGen C3280282, MONDO:0013655, OMIM 614254.

Allele frequency attached by ClinVar (database versions not stated): ESP Exome Variant Server 0.00008; gnomAD below 0.00001 and 0.00001; gnomAD exomes 0.00001 and 0.00002; TOPMed 0.00001; ExAC 0.00002.
gnomAD v4.1: 22 of 1,614,086 alleles (0.0014%); highest among the groups gnomAD compares: South Asian, 0.014%; 1 homozygote.

Submissions (2):

Labcorp Genetics (formerly Invitae), Labcorp
Classification: Likely benign for Neurodevelopmental disorder with or without hyperkinetic movements and seizures, autosomal dominant. Last evaluated: 2023-09-10. Review status: criteria provided, single submitter. Criteria: Invitae Variant Classification Sherloc (09022015). Collection method: clinical testing. Allele origin: germline.

GeneDx
Classification: Likely benign. Last evaluated: 2016-08-11. Review status: criteria provided, single submitter. Criteria: GeneDx Variant Classification (06012015). Collection method: clinical testing. Allele origin: germline. Affected: yes.
Comment: This variant is considered likely benign or benign based on one or more of the following criteria: it is a conservative change, it occurs at a poorly conserved position in the protein, it is predicted to be benign by multiple in silico algorithms, and/or has population frequency not consistent with disease.

NM_007327.4(GRIN1):c.333C>T (p.Ala111=)

Gene: GRIN1 (glutamate ionotropic receptor NMDA type subunit 1; plus strand). Cytogenetic location: 9q34.3.
Variant type: single nucleotide variant.
Coding change: c.333C>T on transcript NM_007327.4 (MANE Select); coding-DNA position 333, C replaced by T.
Protein change: p.Ala111=; no amino-acid change (alanine 111 retained).
Molecular consequence: synonymous variant.
Genome position (GRCh38, 1-based): chr9:137,142,087, C>T. VCF-style: chr9-137142087-C-T. GRCh37 (hg19) VCF-style: chr9-140036539-C-T.
Other names: c.333C>T, p.Ala111= (NM_000832.7, NM_001185090.2, NM_001185091.2 and 1 more transcripts).
Identifiers: ClinVar variation 388577 (VCV000388577.6), dbSNP rs76325634, ClinGen allele CA5360614.